The following is an entry in ClinVar:

NM_000096.4(CP):c.2012G>A (p.Arg671Gln)

Gene: CP (ceruloplasmin; minus strand). Cytogenetic location: 3q24.
Variant type: single nucleotide variant.
Coding change: c.2012G>A on transcript NM_000096.4 (MANE Select); coding-DNA position 2012, G replaced by A.
Protein change: p.Arg671Gln; replaces arginine 671 with glutamine.
Molecular consequence: missense variant.
Genome position (GRCh38, 1-based): chr3:149,186,585, C>T on the plus strand (G>A on the coding strand, the complement: CP is on the minus strand). VCF-style: chr3-149186585-C-T. GRCh37 (hg19) VCF-style: chr3-148904372-C-T.
Other names: short protein forms R671Q.
Identifiers: ClinVar variation 2194179 (VCV002194179.3), dbSNP rs781242411, ClinGen allele CA2660858.

ClinVar aggregate classification (germline): Uncertain significance (1 of 4 stars; one submission).

Conditions:
Deficiency of ferroxidase (ACEP). Also called: Aceruloplasminemia; Deficiency of ceruloplasmin; NEURODEGENERATION WITH BRAIN IRON ACCUMULATION 10; Ceruloplasmin deficiency; Familial apoceruloplasmin deficiency; Hereditary ceruloplasmin deficiency. Identifiers: Orphanet 48818, MedGen C0878682, MONDO:0011426, OMIM 604290, HP:0025498.

Allele frequency attached by ClinVar (database versions not stated): gnomAD 0.00001; TOPMed 0.00001; ExAC 0.00002; gnomAD exomes 0.00002.
gnomAD v4.1: 31 of 1,614,034 alleles (0.0019%); highest among the groups gnomAD compares: East Asian, 0.0045%; no homozygotes.

Submission:

Labcorp Genetics (formerly Invitae), Labcorp
Classification: Uncertain significance for Deficiency of ferroxidase. Last evaluated: 2025-03-17. Review status: criteria provided, single submitter. Criteria: Invitae Variant Classification Sherloc (09022015). Collection method: clinical testing. Allele origin: germline.
Comment: This sequence change replaces arginine, which is basic and polar, with glutamine, which is neutral and polar, at codon 671 of the CP protein (p.Arg671Gln). This variant is present in population databases (rs781242411, gnomAD 0.006%). This variant has not been reported in the literature in individuals affected with CP-related conditions. ClinVar contains an entry for this variant (Variation ID: 2194179). Invitae Evidence Modeling of protein sequence and biophysical properties (such as structural, functional, and spatial information, amino acid conservation, physicochemical variation, residue mobility, and thermodynamic stability) indicates that this missense variant is expected to disrupt CP protein function with a positive predictive value of 80%. In summary, the available evidence is currently insufficient to determine the role of this variant in disease. Therefore, it has been classified as a Variant of Uncertain Significance.